The following is an entry in ClinVar:

NM_058246.4(DNAJB6):c.824G>C (p.Cys275Ser)

Gene: DNAJB6 (DnaJ heat shock protein family (Hsp40) member B6; plus strand). Cytogenetic location: 7q36.3.
Variant type: single nucleotide variant.
Coding change: c.824G>C on transcript NM_058246.4 (MANE Select); coding-DNA position 824, G replaced by C.
Protein change: p.Cys275Ser; replaces cysteine 275 with serine.
Molecular consequence: missense variant.
Genome position (GRCh38, 1-based): chr7:157,409,927, G>C. VCF-style: chr7-157409927-G-C. GRCh37 (hg19) VCF-style: chr7-157202621-G-C.
Other names: c.479G>C, p.Cys160Ser (NM_001363676.1); short protein forms C275S, C160S.
Identifiers: ClinVar variation 1430373 (VCV001430373.10), dbSNP rs1563154005, ClinGen allele CA370167403.
Genomic context (GRCh38, chr7:157,409,927, plus strand): 5'-CCGGCCTCCGCCCGCCGAAGCCGCCCCGGCCTGCCTCGCTGCTGAGACACGCGCCTCACT[G>C]TCTCTCTGAGGAGGAGGGCGAGCAGGACCGACCTCGGGCACCCGGGCCCTGGGACCCCCT-3'
Protein context (NP_490647.1, residues 265-285): PASLLRHAPH[Cys275Ser]LSEEEGEQDR

ClinVar aggregate classification (germline): Uncertain significance (1 of 4 stars; one submission).

Conditions:
Autosomal dominant limb-girdle muscular dystrophy type 1D (DNAJB6) (LGMDD1). Also called: MUSCULAR DYSTROPHY, LIMB-GIRDLE, TYPE 1D; Autosomal dominant limb-girdle muscular dystrophy type 1D; Muscular dystrophy, limb-girdle, autosomal dominant 1; MUSCULAR DYSTROPHY, AUTOSOMAL DOMINANT, WITH RIMMED VACUOLES. Identifiers: Orphanet 34516, MedGen C4721885, MONDO:0021018, OMIM 603511.

Allele frequency attached by ClinVar (database versions not stated): gnomAD exomes below 0.00001 and 0.00001.
gnomAD v4.1: 2 of 1,536,408 alleles (0.00013%); highest among the groups gnomAD compares: Admixed American, 0.002%; no homozygotes.

Submission:

Labcorp Genetics (formerly Invitae), Labcorp
Classification: Uncertain significance for Autosomal dominant limb-girdle muscular dystrophy type 1D (DNAJB6). Last evaluated: 2021-06-08. Review status: criteria provided, single submitter. Criteria: Invitae Variant Classification Sherloc (09022015). Collection method: clinical testing. Allele origin: germline.
Comment: This sequence change replaces cysteine with serine at codon 275 of the DNAJB6 protein (p.Cys275Ser). The cysteine residue is weakly conserved and there is a moderate physicochemical difference between cysteine and serine. The frequency data for this variant in the population databases is considered unreliable, as metrics indicate insufficient coverage at this position in the ExAC database. This variant has not been reported in the literature in individuals with DNAJB6-related conditions. Algorithms developed to predict the effect of missense changes on protein structure and function output the following: SIFT: "Tolerated"; PolyPhen-2: "Not Available"; Align-GVGD: "Class C0". The serine amino acid residue is found in multiple mammalian species, suggesting that this missense change does not adversely affect protein function. These predictions have not been confirmed by published functional studies and their clinical significance is uncertain. In summary, the available evidence is currently insufficient to determine the role of this variant in disease. Therefore, it has been classified as a Variant of Uncertain Significance.